The following is an entry in ClinVar:

ClinVar aggregate classification (germline): Uncertain significance (1 of 4 stars; one submission).

Submission:

GeneDx
Classification: Uncertain significance. Last evaluated: 2024-05-19. Review status: criteria provided, single submitter. Criteria: GeneDx Variant Classification Process June 2021. Collection method: clinical testing. Allele origin: germline. Affected: yes.
Comment: Has not been previously published as pathogenic or benign to our knowledge; Not observed at significant frequency in large population cohorts (gnomAD); In silico analysis indicates that this missense variant does not alter protein structure/function

NM_012090.5(MACF1):c.83G>C (p.Ser28Thr)

Gene: MACF1 (microtubule actin crosslinking factor 1; plus strand). Cytogenetic location: 1p34.3.
Variant type: single nucleotide variant.
Coding change: c.83G>C on transcript NM_012090.5; coding-DNA position 83, G replaced by C.
Protein change: p.Ser28Thr; replaces serine 28 with threonine.
Molecular consequence: missense variant.
Genome position (GRCh38, 1-based): chr1:39,084,301, G>C. VCF-style: chr1-39084301-G-C. GRCh37 (hg19) VCF-style: chr1-39549973-G-C.
Other names: short protein forms S28T.
Identifiers: ClinVar variation 3381628 (VCV003381628.1).